The following is an entry in ClinVar:

ClinVar aggregate classification (germline): Uncertain significance. Review status: criteria provided, multiple submitters, no conflicts (2 of 4 stars). 2 submissions from 2 submitters: Uncertain significance (2). Last evaluated 2026-04-13.

Conditions:
NRP1-related disorder. Also called: NRP1-related condition.

Allele frequency attached by ClinVar (database versions not stated): ExAC 0.00002; TOPMed 0.00002.
gnomAD v4.1: 28 of 1,614,054 alleles (0.0017%); highest among the groups gnomAD compares: Admixed American, 0.022%; no homozygotes.

Submissions (2):

PreventionGenetics, part of Exact Sciences
Classification: Uncertain significance for NRP1-related condition. Last evaluated: 2026-04-13. Review status: criteria provided, single submitter. Criteria: ACMG Guidelines, 2015. Collection method: clinical testing. Allele origin: germline.
Comment: The NRP1 c.1403G>A variant is predicted to result in the amino acid substitution p.Arg468His. This variant has been reported in an individual who underwent metabolic bariatric surgery (Loid et al. 2025. PubMed ID: 39743445). This variant is reported in 0.038% of alleles in individuals of Latino descent in gnomAD. At this time, the clinical significance of this variant is uncertain due to the absence of conclusive functional and genetic evidence.

Ambry Genetics
Classification: Uncertain significance. Last evaluated: 2022-04-12. Review status: criteria provided, single submitter. Criteria: Ambry Variant Classification Scheme 2023. Collection method: clinical testing. Allele origin: germline.

NM_003873.7(NRP1):c.1403G>A (p.Arg468His)

Gene: NRP1 (neuropilin 1; minus strand). Cytogenetic location: 10p11.22.
Variant type: single nucleotide variant.
Coding change: c.1403G>A on transcript NM_003873.7 (MANE Select); coding-DNA position 1403, G replaced by A.
Protein change: p.Arg468His; replaces arginine 468 with histidine.
Molecular consequence: missense variant. On other transcripts: non-coding transcript variant (1).
Genome position (GRCh38, 1-based): chr10:33,213,597, C>T on the plus strand (G>A on the coding strand, the complement: NRP1 is on the minus strand). VCF-style: chr10-33213597-C-T. GRCh37 (hg19) VCF-style: chr10-33502525-C-T.
Other names: c.1403G>A, p.Arg468His (NM_001024628.3, NM_001024629.3, NM_001244972.2 and 2 more transcripts); short protein forms R468H.
Identifiers: ClinVar variation 2377478 (VCV002377478.4), dbSNP rs751563527, ClinGen allele CA5466654.
Genomic context (GRCh38, chr10:33,213,597, plus strand): 5'-TCTATTTGGAGCCACTCATTGATGTAGGAATGAGGTGCGGGTGGAAGTGCCCAGCCAGAG[C>T]GACTGGTTACCAGGCGGATGTTTTCAGGCATCCAGTTTCTGTCCCCTTGGTTGGATGATG-3'
Protein context (NP_003864.5, residues 458-478): MPENIRLVTS[Arg468His]SGWALPPAPH